The following is an entry in ClinVar:

NM_001273.5(CHD4):c.5507C>T (p.Ser1836Phe)

Genes: CHD4 (chromodomain helicase DNA binding protein 4; minus strand), CHD4-AS1 (CHD4 antisense RNA 1; plus strand). Cytogenetic location: 12p13.31.
Variant type: single nucleotide variant.
Coding change: c.5507C>T on transcript NM_001273.5 (MANE Select); coding-DNA position 5507, C replaced by T.
Protein change: p.Ser1836Phe; replaces serine 1836 with phenylalanine.
Molecular consequence: missense variant.
Genome position (GRCh38, 1-based): chr12:6,573,124, G>A on the plus strand (C>T on the coding strand, the complement: CHD4 is on the minus strand). VCF-style: chr12-6573124-G-A. GRCh37 (hg19) VCF-style: chr12-6682290-G-A.
Other names: c.5486C>T, p.Ser1829Phe (NM_001297553.2); c.5474C>T, p.Ser1825Phe (NM_001363606.2); short protein forms S1825F, S1829F, S1836F.
Identifiers: ClinVar variation 5037266 (VCV005037266.1).

ClinVar aggregate classification (germline): Uncertain significance (1 of 4 stars; one submission).

gnomAD v4.1: 1 of 1,611,372 alleles (0.000062%); highest among the groups gnomAD compares: Non-Finnish European, 0.000085%; no homozygotes.

Submission:

GeneDx
Classification: Uncertain significance. Last evaluated: 2026-04-15. Review status: criteria provided, single submitter. Criteria: GeneDx Variant Classification Process June 2021. Collection method: clinical testing. Allele origin: germline.
Comment: Not observed at significant frequency in large population cohorts (gnomAD); In silico analysis supports that this missense variant has a deleterious effect on protein structure/function; Has not been previously published as pathogenic or benign to our knowledge